The following is an entry in ClinVar:

NM_000059.4(BRCA2):c.221T>C (p.Leu74Pro)

Gene: BRCA2 (BRCA2 DNA repair associated; plus strand). Cytogenetic location: 13q13.1.
Variant type: single nucleotide variant.
Coding change: c.221T>C on transcript NM_000059.4 (MANE Select); coding-DNA position 221, T replaced by C.
Protein change: p.Leu74Pro; replaces leucine 74 with proline.
Molecular consequence: missense variant.
Genome position (GRCh38, 1-based): chr13:32,319,230, T>C. VCF-style: chr13-32319230-T-C. GRCh37 (hg19) VCF-style: chr13-32893367-T-C.
Other names: short protein forms L74P.
Identifiers: ClinVar variation 820914 (VCV000820914.10), dbSNP rs1566215918, ClinGen allele CA387754467.

ClinVar aggregate classification (germline): Uncertain significance. Review status: criteria provided, multiple submitters, no conflicts (2 of 4 stars). 4 submissions from 4 submitters: Uncertain significance (4). Last evaluated 2023-10-30.

Conditions:
Hereditary cancer-predisposing syndrome. Also called: Hereditary Cancer Syndrome; Neoplastic Syndromes, Hereditary; Hereditary neoplastic syndrome; Tumor predisposition. Identifiers: Orphanet 140162, MedGen C0027672, MeSH D009386, MONDO:0015356.
Hereditary breast ovarian cancer syndrome. Also called: Hereditary breast and ovarian cancer syndrome (HBOC); Hereditary breast and ovarian cancer syndrome; Breast and ovarian cancer; Hereditary breast and/or ovarian cancer syndrome; BRCA1- and BRCA2-Associated Hereditary Breast and Ovarian Cancer; Hereditary breast and ovarian cancer. Identifiers: Orphanet 145, MedGen C0677776, MeSH D061325, MONDO:0003582. Disease mechanism: loss of function.
Breast-ovarian cancer, familial, susceptibility to, 2 (BROVCA2). Also called: BRCA2 Hereditary Breast and Ovarian Cancer. Identifiers: Orphanet 145, MedGen C2675520, MONDO:0012933, OMIM 612555. Disease mechanism: loss of function.

Allele frequency attached by ClinVar (database versions not stated): gnomAD exomes below 0.00001.
gnomAD v4.1: 2 of 1,613,690 alleles (0.00012%); highest among the groups gnomAD compares: Admixed American, 0.0017%; no homozygotes.

Submissions (4):

All of Us Research Program, National Institutes of Health
Classification: Uncertain significance for Breast-ovarian cancer, familial, susceptibility to, 2. Last evaluated: 2023-10-30. Review status: criteria provided, single submitter. Criteria: ACMG Guidelines, 2015. Collection method: clinical testing. Allele origin: germline. Inheritance: Autosomal dominant inheritance. Observed: 1 variant allele, 1 heterozygote.
Comment: This study involves interpretation of variants in research participants for the purpose of population health screening. Participant phenotype was not available at the time of variant classification. Additional details can be found in publication PMID: 35346344, PMCID: PMC8962531

Labcorp Genetics (formerly Invitae), Labcorp
Classification: Uncertain significance for Hereditary breast ovarian cancer syndrome. Last evaluated: 2023-05-11. Review status: criteria provided, single submitter. Criteria: Invitae Variant Classification Sherloc (09022015). Collection method: clinical testing. Allele origin: germline.
Comment: In summary, the available evidence is currently insufficient to determine the role of this variant in disease. Therefore, it has been classified as a Variant of Uncertain Significance. Advanced modeling of protein sequence and biophysical properties (such as structural, functional, and spatial information, amino acid conservation, physicochemical variation, residue mobility, and thermodynamic stability) performed at Invitae indicates that this missense variant is not expected to disrupt BRCA2 protein function. ClinVar contains an entry for this variant (Variation ID: 820914). This variant has not been reported in the literature in individuals affected with BRCA2-related conditions. This variant is not present in population databases (gnomAD no frequency). This sequence change replaces leucine, which is neutral and non-polar, with proline, which is neutral and non-polar, at codon 74 of the BRCA2 protein (p.Leu74Pro).

Ambry Genetics
Classification: Uncertain significance for Hereditary cancer-predisposing syndrome. Last evaluated: 2019-05-09. Review status: criteria provided, single submitter. Criteria: Ambry Variant Classification Scheme 2023. Collection method: clinical testing. Allele origin: germline.
Comment: The p.L74P variant (also known as c.221T>C), located in coding exon 2 of the BRCA2 gene, results from a T to C substitution at nucleotide position 221. The leucine at codon 74 is replaced by proline, an amino acid with similar properties. This amino acid position is well conserved in available vertebrate species. In addition, the in silico prediction for this alteration is inconclusive. Since supporting evidence is limited at this time, the clinical significance of this alteration remains unclear.

Color Diagnostics, LLC DBA Color Health
Classification: Uncertain significance for Hereditary cancer-predisposing syndrome. Last evaluated: 2019-04-22. Review status: criteria provided, single submitter. Criteria: ACMG Guidelines, 2015. Collection method: clinical testing. Allele origin: germline.